The following is an entry in ClinVar:

NM_020859.4(SHROOM3):c.4519G>A (p.Glu1507Lys)

Genes: SHROOM3-AS1 (SHROOM3 antisense RNA 1; minus strand), SHROOM3 (shroom family member 3; plus strand). Cytogenetic location: 4q21.1.
Variant type: single nucleotide variant.
Coding change: c.4519G>A on transcript NM_020859.4 (MANE Select); coding-DNA position 4519, G replaced by A.
Protein change: p.Glu1507Lys; replaces glutamic acid 1507 with lysine.
Molecular consequence: missense variant.
Genome position (GRCh38, 1-based): chr4:76,755,002, G>A. VCF-style: chr4-76755002-G-A. GRCh37 (hg19) VCF-style: chr4-77676155-G-A.
Other names: short protein forms E1507K.
Identifiers: ClinVar variation 709141 (VCV000709141.6), dbSNP rs141646361, ClinGen allele CA2973032.

ClinVar aggregate classification (germline): Likely benign. Review status: criteria provided, single submitter (1 of 4 stars). 2 submissions from 2 submitters: Likely benign (1). 1 of the submissions does not count toward it. Last evaluated 2019-12-31.

Conditions:
SHROOM3-related disorder. Also called: SHROOM3-related condition.

Allele frequency attached by ClinVar (database versions not stated): 1000 Genomes Project 0.00020; 1000 Genomes Project 30x 0.00031; TOPMed 0.00107; ESP Exome Variant Server 0.00115; gnomAD 0.00134 and 0.00139; ExAC 0.00170.
gnomAD v4.1: 2,847 of 1,612,432 alleles (0.18%); highest among the groups gnomAD compares: Non-Finnish European, 0.21%; 5 homozygotes.

Submissions (2):

Labcorp Genetics (formerly Invitae), Labcorp
Classification: Likely benign. Last evaluated: 2019-12-31. Review status: criteria provided, single submitter. Criteria: Invitae Variant Classification Sherloc (09022015). Collection method: clinical testing. Allele origin: germline.

PreventionGenetics, part of Exact Sciences
Classification: Likely benign for SHROOM3-related condition. Last evaluated: 2022-06-16. Review status: no assertion criteria provided. Collection method: clinical testing. Allele origin: germline. Not counted in ClinVar's aggregate classification.
Comment: This variant is classified as likely benign based on ACMG/AMP sequence variant interpretation guidelines (Richards et al. 2015 PMID: 25741868, with internal and published modifications).